The following is an entry in ClinVar:

NM_001142800.2(EYS):c.8596A>T (p.Lys2866Ter)

Genes: EYS (EGF-like photoreceptor maintenance factor; minus strand), PHF3 (PHD finger protein 3; plus strand). Cytogenetic location: 6q12.
Variant type: single nucleotide variant.
Coding change: c.8596A>T on transcript NM_001142800.2 (MANE Select); coding-DNA position 8596, A replaced by T.
Protein change: p.Lys2866Ter; replaces lysine 2866 with a stop codon.
Molecular consequence: nonsense. On other transcripts: 3 prime UTR variant (5).
Genome position (GRCh38, 1-based): chr6:63,721,435, T>A on the plus strand (A>T on the coding strand, the complement: EYS is on the minus strand). VCF-style: chr6-63721435-T-A. GRCh37 (hg19) VCF-style: chr6-64431331-T-A.
Other names: c.*7727T>A (NM_001290259.2, NM_001370348.2, NM_001370349.2 and 2 more transcripts); c.8659A>T, p.Lys2887Ter (NM_001292009.2); short protein forms K2866*, K2887*.
Identifiers: ClinVar variation 1071665 (VCV001071665.9), dbSNP rs2149625031, ClinGen allele CA364384406.

ClinVar aggregate classification (germline): Pathogenic (1 of 4 stars; one submission).

gnomAD v4.1: 1 of 1,551,692 alleles (0.000064%); highest among the groups gnomAD compares: South Asian, 0.0012%; no homozygotes.

Submission:

Labcorp Genetics (formerly Invitae), Labcorp
Classification: Pathogenic. Last evaluated: 2022-03-28. Review status: criteria provided, single submitter. Criteria: Invitae Variant Classification Sherloc (09022015). Collection method: clinical testing. Allele origin: germline.
Comment: This sequence change creates a premature translational stop signal (p.Lys2866*) in the EYS gene. While this is not anticipated to result in nonsense mediated decay, it is expected to disrupt the last 279 amino acid(s) of the EYS protein. This variant is not present in population databases (gnomAD no frequency). This variant has not been reported in the literature in individuals affected with EYS-related conditions. ClinVar contains an entry for this variant (Variation ID: 1071665). This variant disrupts a region of the EYS protein in which other variant(s) (p.Tyr3135*) have been determined to be pathogenic (PMID: 18976725, 29159838, 30337596, 31074760). This suggests that this is a clinically significant region of the protein, and that variants that disrupt it are likely to be disease-causing. For these reasons, this variant has been classified as Pathogenic.

Literature cited by the submitters: PubMed 18976725; PubMed 29159838; PubMed 30337596; PubMed 31074760.